The following is an entry in ClinVar:

NM_001101426.4(CRPPA):c.161G>T (p.Gly54Val)

Genes: CRPPA (CDP-L-ribitol pyrophosphorylase A; minus strand), LOC129998004 (ATAC-STARR-seq lymphoblastoid silent region 17981; plus strand). Cytogenetic location: 7p21.2.
Variant type: single nucleotide variant.
Coding change: c.161G>T on transcript NM_001101426.4 (MANE Select); coding-DNA position 161, G replaced by T.
Protein change: p.Gly54Val; replaces glycine 54 with valine.
Molecular consequence: missense variant. On other transcripts: non-coding transcript variant (1).
Genome position (GRCh38, 1-based): chr7:16,421,162, C>A on the plus strand (G>T on the coding strand, the complement: CRPPA is on the minus strand). VCF-style: chr7-16421162-C-A. GRCh37 (hg19) VCF-style: chr7-16460787-C-A.
Other names: c.161G>T, p.Gly54Val (NM_001101417.4, NM_001368197.1); short protein forms G54V.
Identifiers: ClinVar variation 282814 (VCV000282814.10), dbSNP rs587777797, ClinGen allele CA10604305.

ClinVar aggregate classification (germline): Uncertain significance. Review status: criteria provided, multiple submitters, no conflicts (2 of 4 stars). 2 submissions from 2 submitters: Uncertain significance (2). Last evaluated 2021-09-25.

Conditions:
Muscular dystrophy-dystroglycanopathy (congenital with brain and eye anomalies), type A, 7. Also called: WALKER-WARBURG SYNDROME OR MUSCLE-EYE-BRAIN DISEASE, ISPD-RELATED; Congenital muscular dystrophy-dystroglycanopathy with brain and eye anomalies, type A7. Identifiers: Orphanet 899, MedGen C3553330, MONDO:0013835, OMIM 614643.
Autosomal recessive limb-girdle muscular dystrophy type 2U. Also called: Muscular dystrophy-dystroglycanopathy (limb-girdle), type c, 7; MUSCULAR DYSTROPHY, LIMB-GIRDLE, TYPE 2U. Identifiers: Orphanet 352479, MedGen C5190987, MONDO:0014474, OMIM 616052.

Allele frequency attached by ClinVar (database versions not stated): gnomAD exomes below 0.00001; gnomAD 0.00002.
gnomAD v4.1: 4 of 1,338,614 alleles (0.0003%); highest among the groups gnomAD compares: Non-Finnish European, 0.00038%; no homozygotes.

Submissions (2):

Labcorp Genetics (formerly Invitae), Labcorp
Classification: Uncertain significance for Muscular dystrophy-dystroglycanopathy (congenital with brain and eye anomalies), type A, 7; Autosomal recessive limb-girdle muscular dystrophy type 2U. Last evaluated: 2021-09-25. Review status: criteria provided, single submitter. Criteria: Invitae Variant Classification Sherloc (09022015). Collection method: clinical testing. Allele origin: germline.
Comment: The frequency data for this variant in the population databases is considered unreliable, as metrics indicate insufficient coverage at this position in the ExAC database. In summary, the available evidence is currently insufficient to determine the role of this variant in disease. Therefore, it has been classified as a Variant of Uncertain Significance. Algorithms developed to predict the effect of missense changes on protein structure and function are either unavailable or do not agree on the potential impact of this missense change (SIFT: "Deleterious"; PolyPhen-2: "Possibly Damaging"; Align-GVGD: "Class C0"). ClinVar contains an entry for this variant (Variation ID: 282814). This variant has not been reported in the literature in individuals affected with ISPD-related conditions. This sequence change replaces glycine with valine at codon 54 of the ISPD protein (p.Gly54Val). The glycine residue is highly conserved and there is a moderate physicochemical difference between glycine and valine.

Eurofins Ntd Llc (ga)
Classification: Uncertain significance. Last evaluated: 2015-08-17. Review status: criteria provided, single submitter. Criteria: EGL Classification Definitions 2015. Collection method: clinical testing. Allele origin: germline. Observed: 1 variant allele, 1 heterozygote.